The following is an entry in ClinVar:

NM_002334.4(LRP4):c.1058C>T (p.Thr353Met)

Gene: LRP4 (LDL receptor related protein 4; minus strand). Cytogenetic location: 11p11.2.
Variant type: single nucleotide variant.
Coding change: c.1058C>T on transcript NM_002334.4 (MANE Select); coding-DNA position 1058, C replaced by T.
Protein change: p.Thr353Met; replaces threonine 353 with methionine.
Molecular consequence: missense variant.
Genome position (GRCh38, 1-based): chr11:46,896,009, G>A on the plus strand (C>T on the coding strand, the complement: LRP4 is on the minus strand). VCF-style: chr11-46896009-G-A. GRCh37 (hg19) VCF-style: chr11-46917560-G-A.
Other names: short protein forms T353M.
Identifiers: ClinVar variation 1021750 (VCV001021750.9), dbSNP rs769661653, ClinGen allele CA5970272.

ClinVar aggregate classification (germline): Uncertain significance. Review status: criteria provided, multiple submitters, no conflicts (2 of 4 stars). 2 submissions from 2 submitters: Uncertain significance (2). Last evaluated 2025-06-22.

Conditions:
Cenani-Lenz syndactyly syndrome. Also called: CENANI SYNDACTYLISM; SYNDACTYLY, TYPE VII. Identifiers: Orphanet 3258, MedGen C1859309, MONDO:0008931, OMIM 212780.
Congenital myasthenic syndrome 17. Identifiers: Orphanet 590, MedGen C4225377, MONDO:0014578, OMIM 616304.
Sclerosteosis 2 (SOST2). Identifiers: Orphanet 3152, MedGen C3280402, MONDO:0013679, OMIM 614305.

Allele frequency attached by ClinVar (database versions not stated): ExAC 0.00002; gnomAD exomes 0.00002 and 0.00003; TOPMed 0.00003; gnomAD 0.00002.

Submissions (2):

Labcorp Genetics (formerly Invitae), Labcorp
Classification: Uncertain significance for Cenani-Lenz syndactyly syndrome; Sclerosteosis 2; Congenital myasthenic syndrome 17. Last evaluated: 2025-06-22. Review status: criteria provided, single submitter. Criteria: Invitae Variant Classification Sherloc (09022015). Collection method: clinical testing. Allele origin: germline.
Comment: This sequence change replaces threonine, which is neutral and polar, with methionine, which is neutral and non-polar, at codon 353 of the LRP4 protein (p.Thr353Met). This variant is present in population databases (rs769661653, gnomAD 0.006%). This variant has not been reported in the literature in individuals affected with LRP4-related conditions. ClinVar contains an entry for this variant (Variation ID: 1021750). An algorithm developed to predict the effect of missense changes on protein structure and function (PolyPhen-2) suggests that this variant is likely to be disruptive. In summary, the available evidence is currently insufficient to determine the role of this variant in disease. Therefore, it has been classified as a Variant of Uncertain Significance.

Fulgent Genetics
Classification: Uncertain significance for Cenani-Lenz syndactyly syndrome; Sclerosteosis 2; Congenital myasthenic syndrome 17. Last evaluated: 2024-05-30. Review status: criteria provided, single submitter. Criteria: ACMG Guidelines, 2015. Collection method: clinical testing. Allele origin: germline.